The following is an entry in ClinVar:

NM_015557.3(CHD5):c.5542G>T (p.Ala1848Ser)

Gene: CHD5 (chromodomain helicase DNA binding protein 5; minus strand). Cytogenetic location: 1p36.31.
Variant type: single nucleotide variant.
Coding change: c.5542G>T on transcript NM_015557.3 (MANE Select); coding-DNA position 5542, G replaced by T.
Protein change: p.Ala1848Ser; replaces alanine 1848 with serine.
Molecular consequence: missense variant.
Genome position (GRCh38, 1-based): chr1:6,109,831, C>A on the plus strand (G>T on the coding strand, the complement: CHD5 is on the minus strand). VCF-style: chr1-6109831-C-A. GRCh37 (hg19) VCF-style: chr1-6169891-C-A.
Other names: short protein forms A1848S.
Identifiers: ClinVar variation 4848305 (VCV004848305.1).
Genomic context (GRCh38, chr1:6,109,831, plus strand): 5'-CCGTGGGGGGCAGGACTTGCTCACCCTTGTGCAGGACGGCATTGGCAGGCTTGTTCCCAG[C>A]AAGGGACTCCTTGGACAGGTGCTGGTGGCTCTCGGCGAGGCACTCCACTTCAGCCAGGCG-3'
Protein context (NP_056372.1, residues 1838-1858): SHQHLSKESL[Ala1848Ser]GNKPANAVLH

ClinVar aggregate classification (germline): Uncertain significance (1 of 4 stars; one submission).

Submission:

Women's Health and Genetics/Laboratory Corporation of America, LabCorp
Classification: Uncertain significance. Last evaluated: 2026-02-27. Review status: criteria provided, single submitter. Criteria: LabCorp Variant Classification Summary - May 2015. Collection method: clinical testing. Allele origin: germline.
Comment: Variant summary: CHD5 c.5542G>T (p.Ala1848Ser) results in a conservative amino acid change in the encoded protein sequence. Algorithms developed to predict the effect of missense changes on protein structure and function are either unavailable or do not agree on the potential impact of this missense change. The variant was absent in 248966 control chromosomes. The available data on variant occurrences in the general population are insufficient to allow any conclusion about variant significance. To our knowledge, no occurrence of c.5542G>T in individuals affected with CHD5-related conditions and no experimental evidence demonstrating its impact on protein function have been reported. No submitters have cited clinical-significance assessments for this variant to ClinVar. Based on the evidence outlined above, the variant was classified as uncertain significance.